The following is an entry in ClinVar:

NM_000484.4(APP):c.*738T>C

Gene: APP (amyloid beta precursor protein; minus strand). Cytogenetic location: 21q21.3.
Variant type: single nucleotide variant.
Coding change: c.*738T>C on transcript NM_000484.4 (MANE Select); 738 bases downstream of the stop codon, T replaced by C.
Molecular consequence: 3 prime UTR variant.
Genome position (GRCh38, 1-based): chr21:25,880,932, A>G on the plus strand (T>C on the coding strand, the complement: APP is on the minus strand). VCF-style: chr21-25880932-A-G. GRCh37 (hg19) VCF-style: chr21-27253243-A-G.
Other names: c.*738T>C (NM_001136016.3, NM_001136129.3, NM_001136130.3 and 7 more transcripts).
Identifiers: ClinVar variation 894857 (VCV000894857.4), dbSNP rs201621005, ClinGen allele CA319553047.

ClinVar aggregate classification (germline): Likely benign (1 of 4 stars; one submission).

Conditions:
Alzheimer disease. Also called: Presenile and senile dementia; Alzheimer's disease. Identifiers: Orphanet 1020, MedGen C0002395, MeSH D000544, MONDO:0004975, HP:0002511.

Allele frequency attached by ClinVar (database versions not stated): gnomAD 0.00012 and 0.00016; TOPMed 0.00026; 1000 Genomes Project 0.00100.

Submission:

Illumina Laboratory Services, Illumina
Classification: Likely benign for Alzheimer disease type 1. Last evaluated: 2018-01-13. Review status: criteria provided, single submitter. Criteria: ICSL Variant Classification Criteria 13 December 2019. Collection method: clinical testing. Allele origin: germline.
Comment: This variant was observed in the ICSL laboratory as part of a predisposition screen in an ostensibly healthy population. It had not been previously curated by ICSL or reported in the Human Gene Mutation Database (HGMD: prior to June 1st, 2018), and was therefore a candidate for classification through an automated scoring system. Utilizing variant allele frequency, disease prevalence and penetrance estimates, and inheritance mode, an automated score was calculated to assess if this variant is too frequent to cause the disease. Based on the score and internal cut-off values, a variant classified as likely benign is not then subjected to further curation. The score for this variant resulted in a classification of likely benign for this disease.